The following is an entry in ClinVar:

NM_001395413.1(POR):c.1690_1691dup (p.Gly565fs)

Gene: POR (cytochrome p450 oxidoreductase; plus strand). Cytogenetic location: 7q11.23.
Variant type: Duplication.
Coding change: c.1690_1691dup on transcript NM_001395413.1 (MANE Select); coding-DNA positions 1690 to 1691, 2 bases duplicated (TA; older notation c.1690_1691dupTA).
Protein change: p.Gly565fs; shifts the reading frame from glycine 565.
Molecular consequence: frameshift variant.
Genome position (GRCh38, 1-based): chr7:75,985,952-75,985,953, TA duplicated. VCF-style (leftmost placement, unchanged base first): chr7-75985951-C-CTA. GRCh37 (hg19) VCF-style: chr7-75615269-C-CTA.
Other names: c.1699_1700dup, p.Gly568Thrfs (NM_000941.2, NM_000941.3); c.1690_1691dup, p.Gly565fs (NM_001367562.3, NM_001382657.2, NM_001382658.3 and 1 more transcripts); c.1744_1745dup, p.Gly583fs (NM_001382655.3); c.1540_1541dup, p.Gly515fs (NM_001382662.3); short protein forms G515fs, G583fs, G565fs.
Identifiers: ClinVar variation 2989919 (VCV002989919.3), dbSNP rs2535412438, ClinGen allele CA2740097376.
Genomic context (GRCh38, chr7:75,985,951, plus strand): 5'-GCCCCGCGCTCACCCCGGCCCCTGCCACGCAGGCAAGGAGGTGGGGGAGACGCTGCTGTA[C>CTA]TACGGCTGCCGCCGCTCGGATGAGGACTACCTGTACCGGGAGGAGCTGGCGCAGTTCCAC-3'

ClinVar aggregate classification (germline): Pathogenic (1 of 4 stars; one submission).

Conditions:
Congenital adrenal hyperplasia due to cytochrome P450 oxidoreductase deficiency. Also called: DISORDERED STEROIDOGENESIS DUE TO POR DEFICIENCY. Identifiers: Orphanet 95699, MedGen C1860042, MONDO:0013310, OMIM 613571.

Submission:

Labcorp Genetics (formerly Invitae), Labcorp
Classification: Pathogenic for Congenital adrenal hyperplasia due to cytochrome P450 oxidoreductase deficiency. Last evaluated: 2023-11-06. Review status: criteria provided, single submitter. Criteria: Invitae Variant Classification Sherloc (09022015). Collection method: clinical testing. Allele origin: germline.
Comment: This sequence change creates a premature translational stop signal (p.Gly568Thrfs*46) in the POR gene. It is expected to result in an absent or disrupted protein product. Loss-of-function variants in POR are known to be pathogenic (PMID: 14758361, 20732302, 21741353). This variant is not present in population databases (gnomAD no frequency). This variant has not been reported in the literature in individuals affected with POR-related conditions. For these reasons, this variant has been classified as Pathogenic.

Literature cited by the submitters: PubMed 14758361; PubMed 20732302; PubMed 21741353.